The following is an entry in ClinVar:

NM_001231.5(CASQ1):c.970G>A (p.Asp324Asn)

Gene: CASQ1 (calsequestrin 1; plus strand). Cytogenetic location: 1q23.2.
Variant type: single nucleotide variant.
Coding change: c.970G>A on transcript NM_001231.5 (MANE Select); coding-DNA position 970, G replaced by A.
Protein change: p.Asp324Asn; replaces aspartic acid 324 with asparagine.
Molecular consequence: missense variant.
Genome position (GRCh38, 1-based): chr1:160,199,039, G>A. VCF-style: chr1-160199039-G-A. GRCh37 (hg19) VCF-style: chr1-160168829-G-A.
Other names: short protein forms D324N.
Identifiers: ClinVar variation 1308253 (VCV001308253.2), dbSNP rs765034881, ClinGen allele CA31499907.

ClinVar aggregate classification (germline): Uncertain significance (1 of 4 stars; one submission).

Allele frequency attached by ClinVar (database versions not stated): gnomAD exomes below 0.00001; gnomAD 0.00001.

Submission:

GeneDx
Classification: Uncertain significance. Last evaluated: 2019-03-27. Review status: criteria provided, single submitter. Criteria: GeneDx Variant Classification Process June 2021. Collection method: clinical testing. Allele origin: germline. Affected: yes.
Comment: Not observed in large population cohorts (Lek et al., 2016); In silico analysis, which includes protein predictors and evolutionary conservation, supports a deleterious effect; Has not been previously published as pathogenic or benign to our knowledge